The following is an entry in ClinVar:

ClinVar aggregate classification (germline): Benign. Review status: criteria provided, multiple submitters, no conflicts (2 of 4 stars). 4 submissions from 4 submitters: Benign (3). 1 of the submissions does not count toward it. Last evaluated 2021-11-29.

Allele frequency attached by ClinVar (database versions not stated): 1000 Genomes Project 30x 0.16302; ESP Exome Variant Server 0.26462; 1000 Genomes Project 0.16254; gnomAD 0.26223 and 0.26588; ExAC 0.30903; TOPMed 0.24681.
gnomAD v4.1: 495,295 of 1,552,886 alleles (32%); highest among the groups gnomAD compares: Non-Finnish European, 36%; 84,985 homozygotes.

Submissions (4):

Mayo Clinic Laboratories, Mayo Clinic
Classification: Benign. Last evaluated: 2021-11-29. Review status: criteria provided, single submitter. Criteria: ACMG Guidelines, 2015. Collection method: clinical testing. Allele origin: germline. Observed: 124 variant alleles.

GeneDx
Classification: Benign. Last evaluated: 2020-08-17. Review status: criteria provided, single submitter. Criteria: GeneDx Variant Classification Process June 2021. Collection method: clinical testing. Allele origin: germline. Affected: yes.

Breakthrough Genomics
Classification: Benign. Review status: criteria provided, single submitter. Criteria: ACMG Guidelines, 2015. Collection method: not provided. Allele origin: germline. Inheritance: Autosomal dominant inheritance. Affected: yes.

Genetic Services Laboratory, University of Chicago
Classification: Likely benign for AllHighlyPenetrant. Review status: no assertion criteria provided. Collection method: clinical testing. Allele origin: germline. Inheritance: Autosomal dominant inheritance. Not counted in ClinVar's aggregate classification.
Comment: Likely benign based on allele frequency in 1000 Genomes Project or ESP global frequency and its presence in a patient with a rare or unrelated disease phenotype. NOT Sanger confirmed.

NM_001940.4(ATN1):c.2430C>A (p.Arg810=)

Gene: ATN1 (atrophin 1; plus strand). Cytogenetic location: 12p13.31.
Variant type: single nucleotide variant.
Coding change: c.2430C>A on transcript NM_001940.4 (MANE Select); coding-DNA position 2430, C replaced by A.
Protein change: p.Arg810=; no amino-acid change (arginine 810 retained).
Molecular consequence: synonymous variant.
Genome position (GRCh38, 1-based): chr12:6,937,980, C>A. VCF-style: chr12-6937980-C-A. GRCh37 (hg19) VCF-style: chr12-7047143-C-A.
Other names: p.Arg810=; c.2430C>A, p.Arg810= (NM_001007026.2).
Identifiers: ClinVar variation 128462 (VCV000128462.10), dbSNP rs7969685, ClinGen allele CA151940.
Genomic context (GRCh38, chr12:6,937,980, plus strand): 5'-CAAGCTGGCCAAGAAGCGGGCCGACCTGGTGGAGAAGGTGCGGCGCGAGGCCGAGCAGCG[C>A]GCGCGCGAAGAAAAGGAGCGCGAGCGCGAGCGGGAACGCGAGAAAGAGCGCGAGCGCGAG-3'
Protein context (NP_001931.2, residues 800-820): VEKVRREAEQ[Arg810=]AREEKERERE